The following is an entry in ClinVar:

ClinVar aggregate classification (germline): Uncertain significance. Review status: criteria provided, multiple submitters, no conflicts (2 of 4 stars). 2 submissions from 2 submitters: Uncertain significance (2). Last evaluated 2025-06-24.

Conditions:
Inborn genetic diseases. Identifiers: MedGen C0950123, MeSH D030342.
H syndrome. Also called: FAISALABAD HISTIOCYTOSIS; Pigmented hypertrichosis and insulin-dependent diabetes mellitus; HISTIOCYTOSIS AND LYMPHADENOPATHY WITH OR WITHOUT CUTANEOUS, CARDIAC, AND/OR ENDOCRINE FEATURES, JOINT CONTRACTURES, AND/OR DEAFNESS; HYPERPIGMENTATION, CUTANEOUS, WITH HYPERTRICHOSIS, HEPATOSPLENOMEGALY, HEART ANOMALIES, AND HYPOGONADISM WITH OR WITHOUT HEARING LOSS; PIGMENTED HYPERTRICHOSIS WITH INSULIN-DEPENDENT DIABETES MELLITUS; ROSAI-DORFMAN DISEASE, FAMILIAL. Identifiers: Orphanet 168569, MedGen C1864445, MONDO:0011273, OMIM 602782.

Allele frequency attached by ClinVar (database versions not stated): gnomAD 0.00003; ExAC 0.00004; gnomAD exomes 0.00004; 1000 Genomes Project 0.00020.
gnomAD v4.1: 57 of 1,613,988 alleles (0.0035%); highest among the groups gnomAD compares: South Asian, 0.06%; 1 homozygote.

Submissions (2):

Ambry Genetics
Classification: Uncertain significance for Inborn genetic diseases. Last evaluated: 2025-06-24. Review status: criteria provided, single submitter. Criteria: Ambry Variant Classification Scheme 2023. Collection method: clinical testing. Allele origin: germline.

Labcorp Genetics (formerly Invitae), Labcorp
Classification: Uncertain significance for H syndrome. Last evaluated: 2022-07-23. Review status: criteria provided, single submitter. Criteria: Invitae Variant Classification Sherloc (09022015). Collection method: clinical testing. Allele origin: germline.
Comment: In summary, the available evidence is currently insufficient to determine the role of this variant in disease. Therefore, it has been classified as a Variant of Uncertain Significance. Algorithms developed to predict the effect of missense changes on protein structure and function (SIFT, PolyPhen-2, Align-GVGD) all suggest that this variant is likely to be tolerated. This variant has not been reported in the literature in individuals affected with SLC29A3-related conditions. This variant is present in population databases (rs546180014, gnomAD 0.03%), including at least one homozygous and/or hemizygous individual. This sequence change replaces isoleucine, which is neutral and non-polar, with valine, which is neutral and non-polar, at codon 330 of the SLC29A3 protein (p.Ile330Val).

NM_018344.6(SLC29A3):c.988A>G (p.Ile330Val)

Gene: SLC29A3 (solute carrier family 29 member 3; plus strand). Cytogenetic location: 10q22.1.
Variant type: single nucleotide variant.
Coding change: c.988A>G on transcript NM_018344.6 (MANE Select); coding-DNA position 988, A replaced by G.
Protein change: p.Ile330Val; replaces isoleucine 330 with valine.
Molecular consequence: missense variant. On other transcripts: 3 prime UTR variant (1), non-coding transcript variant (2).
Genome position (GRCh38, 1-based): chr10:71,362,168, A>G. VCF-style: chr10-71362168-A-G. GRCh37 (hg19) VCF-style: chr10-73121925-A-G.
Other names: c.*217A>G (NM_001174098.2); c.754A>G, p.Ile252Val (NM_001363518.2); c.988A>G (NM_018344.5); short protein forms I330V, I252V.
Identifiers: ClinVar variation 1906186 (VCV001906186.5), dbSNP rs546180014, ClinGen allele CA5543102.